The following is an entry in ClinVar:

ClinVar aggregate classification (germline): Uncertain significance (1 of 4 stars; one submission).

Allele frequency attached by ClinVar (database versions not stated): gnomAD 0.00001; TOPMed 0.00001; gnomAD exomes 0.00002 and 0.00004; ExAC 0.00003.
gnomAD v4.1: 62 of 1,612,478 alleles (0.0038%); highest among the groups gnomAD compares: Non-Finnish European, 0.0051%; no homozygotes.

Submission:

Labcorp Genetics (formerly Invitae), Labcorp
Classification: Uncertain significance. Last evaluated: 2022-05-27. Review status: criteria provided, single submitter. Criteria: Invitae Variant Classification Sherloc (09022015). Collection method: clinical testing. Allele origin: germline.
Comment: This variant has not been reported in the literature in individuals affected with GRM6-related conditions. In summary, the available evidence is currently insufficient to determine the role of this variant in disease. Therefore, it has been classified as a Variant of Uncertain Significance. Advanced modeling of protein sequence and biophysical properties (such as structural, functional, and spatial information, amino acid conservation, physicochemical variation, residue mobility, and thermodynamic stability) performed at Invitae indicates that this missense variant is not expected to disrupt GRM6 protein function. ClinVar contains an entry for this variant (Variation ID: 1040403). This variant is present in population databases (rs762298237, gnomAD 0.006%). This sequence change replaces valine, which is neutral and non-polar, with methionine, which is neutral and non-polar, at codon 598 of the GRM6 protein (p.Val598Met).

NM_000843.4(GRM6):c.1792G>A (p.Val598Met)

Genes: ZNF454 (zinc finger protein 454; plus strand), GRM6 (glutamate metabotropic receptor 6; minus strand). Cytogenetic location: 5q35.3.
Variant type: single nucleotide variant.
Coding change: c.1792G>A on transcript NM_000843.4 (MANE Select); coding-DNA position 1792, G replaced by A.
Protein change: p.Val598Met; replaces valine 598 with methionine.
Molecular consequence: missense variant.
Genome position (GRCh38, 1-based): chr5:178,986,462, C>T on the plus strand (G>A on the coding strand, the complement: GRM6 is on the minus strand). VCF-style: chr5-178986462-C-T. GRCh37 (hg19) VCF-style: chr5-178413463-C-T.
Other names: short protein forms V598M.
Identifiers: ClinVar variation 1040403 (VCV001040403.7), dbSNP rs762298237, ClinGen allele CA3593930.